The following is an entry in ClinVar:

ClinVar aggregate classification (germline): Uncertain significance (1 of 4 stars; one submission).

Conditions:
Hereditary cancer-predisposing syndrome. Also called: Tumor predisposition; Neoplastic Syndromes, Hereditary; Hereditary Cancer Syndrome; Hereditary neoplastic syndrome. Identifiers: Orphanet 140162, MedGen C0027672, MeSH D009386, MONDO:0015356.

Submission:

Ambry Genetics
Classification: Uncertain significance for Hereditary cancer-predisposing syndrome. Last evaluated: 2024-12-13. Review status: criteria provided, single submitter. Criteria: Ambry Variant Classification Scheme 2023. Collection method: clinical testing. Allele origin: germline.
Comment: The p.D53E variant (also known as c.159T>A), located in coding exon 3 of the MRE11A gene, results from a T to A substitution at nucleotide position 159. The aspartic acid at codon 53 is replaced by glutamic acid, an amino acid with highly similar properties. This amino acid position is conserved. In addition, this alteration is predicted to be deleterious by in silico analysis. Based on the available evidence, the clinical significance of this variant remains unclear.

NM_005591.4(MRE11):c.159T>A (p.Asp53Glu)

Gene: MRE11 (MRE11 double strand break repair nuclease; minus strand). Cytogenetic location: 11q21.
Variant type: single nucleotide variant.
Coding change: c.159T>A on transcript NM_005591.4 (MANE Select); coding-DNA position 159, T replaced by A.
Protein change: p.Asp53Glu; replaces aspartic acid 53 with glutamic acid.
Molecular consequence: missense variant.
Genome position (GRCh38, 1-based): chr11:94,486,079, A>T on the plus strand (T>A on the coding strand, the complement: MRE11 is on the minus strand). VCF-style: chr11-94486079-A-T. GRCh37 (hg19) VCF-style: chr11-94219245-A-T.
Other names: c.159T>A, p.Asp53Glu (NM_001330347.2, NM_005590.4); short protein forms D53E.
Identifiers: ClinVar variation 3874310 (VCV003874310.1).